The following is an entry in ClinVar:

ClinVar aggregate classification (germline): Uncertain significance (1 of 4 stars; one submission).

Submission:

GeneDx
Classification: Uncertain significance. Last evaluated: 2024-12-02. Review status: criteria provided, single submitter. Criteria: GeneDx Variant Classification Process June 2021. Collection method: clinical testing. Allele origin: germline. Affected: yes.
Comment: Not observed at significant frequency in large population cohorts (gnomAD); In silico analysis indicates that this missense variant does not alter protein structure/function; Has not been previously published as pathogenic or benign to our knowledge

NM_001162501.2(TNRC6B):c.3139A>G (p.Lys1047Glu)

Gene: TNRC6B (trinucleotide repeat containing adaptor 6B; plus strand). Cytogenetic location: 22q13.1.
Variant type: single nucleotide variant.
Coding change: c.3139A>G on transcript NM_001162501.2 (MANE Select); coding-DNA position 3139, A replaced by G.
Protein change: p.Lys1047Glu; replaces lysine 1047 with glutamic acid.
Molecular consequence: missense variant.
Genome position (GRCh38, 1-based): chr22:40,273,598, A>G. VCF-style: chr22-40273598-A-G. GRCh37 (hg19) VCF-style: chr22-40669602-A-G.
Other names: c.898A>G, p.Lys300Glu (NM_001024843.2); c.2980A>G, p.Lys994Glu (NM_015088.3); short protein forms K1047E, K300E, K994E.
Identifiers: ClinVar variation 3900962 (VCV003900962.1).